The following is an entry in ClinVar:

NM_133497.4(KCNV2):c.259G>A (p.Glu87Lys)

Gene: KCNV2 (potassium voltage-gated channel modifier subfamily V member 2; plus strand). Cytogenetic location: 9p24.2.
Variant type: single nucleotide variant.
Coding change: c.259G>A on transcript NM_133497.4 (MANE Select); coding-DNA position 259, G replaced by A.
Protein change: p.Glu87Lys; replaces glutamic acid 87 with lysine.
Molecular consequence: missense variant.
Genome position (GRCh38, 1-based): chr9:2,717,998, G>A. VCF-style: chr9-2717998-G-A. GRCh37 (hg19) VCF-style: chr9-2717998-G-A.
Other names: short protein forms E87K.
Identifiers: ClinVar variation 1906736 (VCV001906736.5), dbSNP rs2130860316, ClinGen allele CA372796189.

ClinVar aggregate classification (germline): Uncertain significance (1 of 4 stars; one submission).

Allele frequency attached by ClinVar (database versions not stated): gnomAD exomes below 0.00001.
gnomAD v4.1: 5 of 1,614,010 alleles (0.00031%); highest among the groups gnomAD compares: East Asian, 0.0022%; no homozygotes.

Submission:

Labcorp Genetics (formerly Invitae), Labcorp
Classification: Uncertain significance. Last evaluated: 2022-02-11. Review status: criteria provided, single submitter. Criteria: Invitae Variant Classification Sherloc (09022015). Collection method: clinical testing. Allele origin: germline.
Comment: In summary, the available evidence is currently insufficient to determine the role of this variant in disease. Therefore, it has been classified as a Variant of Uncertain Significance. Advanced modeling of protein sequence and biophysical properties (such as structural, functional, and spatial information, amino acid conservation, physicochemical variation, residue mobility, and thermodynamic stability) performed at Invitae indicates that this missense variant is not expected to disrupt KCNV2 protein function. This variant has not been reported in the literature in individuals affected with KCNV2-related conditions. This variant is not present in population databases (gnomAD no frequency). This sequence change replaces glutamic acid, which is acidic and polar, with lysine, which is basic and polar, at codon 87 of the KCNV2 protein (p.Glu87Lys).